The following is an entry in ClinVar:

NM_001040142.2(SCN2A):c.2356C>A (p.Gln786Lys)

Gene: SCN2A (sodium voltage-gated channel alpha subunit 2; plus strand). Cytogenetic location: 2q24.3.
Variant type: single nucleotide variant.
Coding change: c.2356C>A on transcript NM_001040142.2 (MANE Select); coding-DNA position 2356, C replaced by A.
Protein change: p.Gln786Lys; replaces glutamine 786 with lysine.
Molecular consequence: missense variant.
Genome position (GRCh38, 1-based): chr2:165,331,536, C>A. VCF-style: chr2-165331536-C-A. GRCh37 (hg19) VCF-style: chr2-166188046-C-A.
Other names: c.2356C>A, p.Gln786Lys (NM_001040143.2, NM_001371246.1, NM_001371247.1 and 1 more transcripts); short protein forms Q786K.
Identifiers: ClinVar variation 3774178 (VCV003774178.1).
Genomic context (GRCh38, chr2:165,331,536, plus strand): 5'-ACCATCTGCATTGTCTTAAATACACTCTTCATGGCTATGGAGCACTATCCCATGACGGAG[C>A]AGTTCAGCAGTGTACTGTCTGTTGGAAACCTGGTAAGCCTCACTGAGAGTTTCTCTTCCT-3'
Protein context (NP_001035232.1, residues 776-796): MAMEHYPMTE[Gln786Lys]FSSVLSVGNL

ClinVar aggregate classification (germline): Uncertain significance (1 of 4 stars; one submission).

Submission:

GeneDx
Classification: Uncertain significance. Last evaluated: 2024-09-22. Review status: criteria provided, single submitter. Criteria: GeneDx Variant Classification Process June 2021. Collection method: clinical testing. Allele origin: germline. Affected: yes.
Comment: Not observed at significant frequency in large population cohorts (gnomAD); In silico analysis indicates that this missense variant does not alter protein structure/function; This substitution is predicted to be within the extracellular loop between the S1 and S2 transmembrane segments of the second homologous domain; Has not been previously published as pathogenic or benign to our knowledge